The following is an entry in ClinVar:

NM_181523.3(PIK3R1):c.1708C>T (p.Leu570Phe)

Gene: PIK3R1 (phosphoinositide-3-kinase regulatory subunit 1; plus strand). Cytogenetic location: 5q13.1.
Variant type: single nucleotide variant.
Coding change: c.1708C>T on transcript NM_181523.3 (MANE Select); coding-DNA position 1708, C replaced by T.
Protein change: p.Leu570Phe; replaces leucine 570 with phenylalanine.
Molecular consequence: missense variant.
Genome position (GRCh38, 1-based): chr5:68,295,287, C>T. VCF-style: chr5-68295287-C-T. GRCh37 (hg19) VCF-style: chr5-67591115-C-T.
Other names: c.619C>T, p.Leu207Phe (NM_001242466.2); c.898C>T, p.Leu300Phe (NM_181504.4); c.808C>T, p.Leu270Phe (NM_181524.2); short protein forms L270F, L300F, L207F, L570F.
Identifiers: ClinVar variation 1933024 (VCV001933024.5), dbSNP rs1561299896, ClinGen allele CA359883080.
Genomic context (GRCh38, chr5:68,295,287, plus strand): 5'-AAGAAGCAGGCAGCTGAGTATCGAGAAATTGACAAACGTATGAACAGCATTAAACCAGAC[C>T]TTATCCAGCTGAGAAAGACGAGAGACCAATACTTGATGTAAGTATTTGAAATGGAATCCT-3'
Protein context (NP_852664.1, residues 560-580): DKRMNSIKPD[Leu570Phe]IQLRKTRDQY

ClinVar aggregate classification (germline): Uncertain significance (1 of 4 stars; one submission).

Conditions:
SHORT syndrome. Also called: PIK3R1-Related SHORT Syndrome; SHORT STATURE, HYPEREXTENSIBILITY, HERNIA, OCULAR DEPRESSION, RIEGER ANOMALY, AND TEETHING DELAY; LIPODYSTROPHY, PARTIAL, WITH RIEGER ANOMALY AND SHORT STATURE. Identifiers: Orphanet 3163, MedGen C0878684, MONDO:0010026, OMIM 269880.
Agammaglobulinemia 7, autosomal recessive (AGM7). Also called: AGAMMAGLOBULINEMIA, AUTOSOMAL RECESSIVE, DUE TO PIK3R1 DEFECT. Identifiers: MedGen C3554689, MONDO:0014083, OMIM 615214.
Immunodeficiency 36 with lymphoproliferation. Also called: ACTIVATED PI3K-DELTA SYNDROME 2; Activated PI3K Delta Syndrome Type 2 (APDS2); Immunodeficiency 36. Identifiers: Orphanet 397596, Orphanet 693681, MedGen C4014934, MONDO:0014453, OMIM 616005.

Allele frequency attached by ClinVar (database versions not stated): gnomAD exomes below 0.00001.
gnomAD v4.1: 7 of 1,614,094 alleles (0.00043%); highest among the groups gnomAD compares: Non-Finnish European, 0.00059%; no homozygotes.

Submission:

Labcorp Genetics (formerly Invitae), Labcorp
Classification: Uncertain significance for SHORT syndrome; Immunodeficiency 36 with lymphoproliferation; Agammaglobulinemia 7, autosomal recessive. Last evaluated: 2022-09-23. Review status: criteria provided, single submitter. Criteria: Invitae Variant Classification Sherloc (09022015). Collection method: clinical testing. Allele origin: germline.
Comment: This sequence change replaces leucine, which is neutral and non-polar, with phenylalanine, which is neutral and non-polar, at codon 570 of the PIK3R1 protein (p.Leu570Phe). In summary, the available evidence is currently insufficient to determine the role of this variant in disease. Therefore, it has been classified as a Variant of Uncertain Significance. Advanced modeling of protein sequence and biophysical properties (such as structural, functional, and spatial information, amino acid conservation, physicochemical variation, residue mobility, and thermodynamic stability) performed at Invitae indicates that this missense variant is expected to disrupt PIK3R1 protein function. This variant has not been reported in the literature in individuals affected with PIK3R1-related conditions. This variant is not present in population databases (gnomAD no frequency).